The following is an entry in ClinVar:

NM_152296.5(ATP1A3):c.1438-9G>A

Gene: ATP1A3 (ATPase Na+/K+ transporting subunit alpha 3; minus strand). Cytogenetic location: 19q13.2.
Variant type: single nucleotide variant.
Coding change: c.1438-9G>A on transcript NM_152296.5 (MANE Select); 9 bases into the intron before coding-DNA position 1438, G replaced by A.
Molecular consequence: intron variant.
Genome position (GRCh38, 1-based): chr19:41,978,807, C>T on the plus strand (G>A on the coding strand, the complement: ATP1A3 is on the minus strand). VCF-style: chr19-41978807-C-T. GRCh37 (hg19) VCF-style: chr19-42482959-C-T.
Other names: c.1477-9G>A (NM_001256214.2); c.1471-9G>A (NM_001256213.2).
Identifiers: ClinVar variation 4774079 (VCV004774079.1).

ClinVar aggregate classification (germline): Uncertain significance (1 of 4 stars; one submission).

Conditions:
Dystonia 12 (DYT12). Also called: Rapid-Onset Dystonia-Parkinsonism (RDP); DYT-ATP1A3. Identifiers: Orphanet 71517, MedGen C1868681, MONDO:0007496, OMIM 128235.

gnomAD v4.1: 3 of 1,613,422 alleles (0.00019%); highest among the groups gnomAD compares: Admixed American, 0.0017%; no homozygotes.

Submission:

Labcorp Genetics (formerly Invitae), Labcorp
Classification: Uncertain significance for Dystonia 12. Last evaluated: 2025-12-21. Review status: criteria provided, single submitter. Criteria: Invitae Variant Classification Sherloc (09022015). Collection method: clinical testing. Allele origin: germline.
Comment: This sequence change falls in intron 11 of the ATP1A3 gene. It does not directly change the encoded amino acid sequence of the ATP1A3 protein. This variant is present in population databases (rs782748442, gnomAD 0.003%). This variant has not been reported in the literature in individuals affected with ATP1A3-related conditions. Algorithms developed to predict the effect of sequence changes on RNA splicing suggest that this variant may disrupt the consensus splice site. In summary, the available evidence is currently insufficient to determine the role of this variant in disease. Therefore, it has been classified as a Variant of Uncertain Significance.